The following is an entry in ClinVar:

NM_001382391.1(CSPP1):c.2294C>A (p.Ala765Glu)

Gene: CSPP1 (centrosome and spindle pole associated protein 1; plus strand). Cytogenetic location: 8q13.2.
Variant type: single nucleotide variant.
Coding change: c.2294C>A on transcript NM_001382391.1 (MANE Select); coding-DNA position 2294, C replaced by A.
Protein change: p.Ala765Glu; replaces alanine 765 with glutamic acid.
Molecular consequence: missense variant.
Genome position (GRCh38, 1-based): chr8:67,158,499, C>A. VCF-style: chr8-67158499-C-A. GRCh37 (hg19) VCF-style: chr8-68070734-C-A.
Other names: c.1244C>A, p.Ala415Glu (NM_001291339.2); c.2213C>A, p.Ala738Glu (NM_001363131.2); c.2099C>A, p.Ala700Glu (NM_001363132.2); c.2018C>A, p.Ala673Glu (NM_001363133.2); c.2360C>A, p.Ala787Glu (NM_001364869.1); c.2180C>A, p.Ala727Glu (NM_001364870.1); c.2279C>A, p.Ala760Glu (NM_024790.7); short protein forms A760E, A415E, A673E, A700E, A727E, A738E, A787E, A765E.
Identifiers: ClinVar variation 474853 (VCV000474853.8), dbSNP rs376549634, ClinGen allele CA4770801.

ClinVar aggregate classification (germline): Conflicting classifications of pathogenicity. Review status: criteria provided, conflicting classifications (1 of 4 stars). 3 submissions from 3 submitters: Uncertain significance (2); Likely benign (1). Last evaluated 2025-02-03.

Conditions:
Inborn genetic diseases. Identifiers: MedGen C0950123, MeSH D030342.
Joubert syndrome 21 (JBTS21). Identifiers: MedGen C3810212, MONDO:0014288, OMIM 615636.

Allele frequency attached by ClinVar (database versions not stated): ESP Exome Variant Server 0.00008; ExAC 0.00012; 1000 Genomes Project 30x 0.00016; gnomAD 0.00016 and 0.00018; 1000 Genomes Project 0.00020; TOPMed 0.00045.
gnomAD v4.1: 100 of 1,612,126 alleles (0.0062%); highest among the groups gnomAD compares: Admixed American, 0.087%; no homozygotes.

Submissions (3):

Labcorp Genetics (formerly Invitae), Labcorp
Classification: Uncertain significance for Joubert syndrome 21. Last evaluated: 2025-02-03. Review status: criteria provided, single submitter. Criteria: Invitae Variant Classification Sherloc (09022015). Collection method: clinical testing. Allele origin: germline.
Comment: This sequence change replaces alanine, which is neutral and non-polar, with glutamic acid, which is acidic and polar, at codon 760 of the CSPP1 protein (p.Ala760Glu). This variant is present in population databases (rs376549634, gnomAD 0.06%). This missense change has been observed in individual(s) with blindness (PMID: 32483926). ClinVar contains an entry for this variant (Variation ID: 474853). An algorithm developed to predict the effect of missense changes on protein structure and function outputs the following: PolyPhen-2: "Benign". The glutamic acid amino acid residue is found in multiple mammalian species, which suggests that this missense change does not adversely affect protein function. In summary, the available evidence is currently insufficient to determine the role of this variant in disease. Therefore, it has been classified as a Variant of Uncertain Significance.

Blueprint Genetics
Classification: Likely benign. Last evaluated: 2024-09-17. Review status: criteria provided, single submitter. Criteria: ACMG Guidelines, 2015. Collection method: clinical testing. Allele origin: germline.

Ambry Genetics
Classification: Uncertain significance for Inborn genetic diseases. Last evaluated: 2021-08-02. Review status: criteria provided, single submitter. Criteria: Ambry Variant Classification Scheme 2023. Collection method: clinical testing. Allele origin: germline.

Literature cited by the submitters: PubMed 32483926 (cited by Labcorp Genetics (formerly Invitae), Labcorp).